The following is an entry in ClinVar:

ClinVar aggregate classification (germline): Uncertain significance (1 of 4 stars; one submission).

Conditions:
Generalized epilepsy-paroxysmal dyskinesia syndrome (PNKD3). Also called: Generalized epilepsy and paroxysmal dyskinesia; Paroxysmal nonkinesigenic dyskinesia, 3, with or without generalized epilepsy. Identifiers: Orphanet 79137, MedGen C5574945, MONDO:0012276, OMIM 609446.

Submission:

Labcorp Genetics (formerly Invitae), Labcorp
Classification: Uncertain significance for Generalized epilepsy-paroxysmal dyskinesia syndrome. Last evaluated: 2024-10-30. Review status: criteria provided, single submitter. Criteria: Invitae Variant Classification Sherloc (09022015). Collection method: clinical testing. Allele origin: germline.
Comment: This variant, c.34_39del, results in the deletion of 2 amino acid(s) of the KCNMA1 protein (p.Ser12_Gly13del), but otherwise preserves the integrity of the reading frame. This variant is not present in population databases (gnomAD no frequency). This variant has not been reported in the literature in individuals affected with KCNMA1-related conditions. ClinVar contains an entry for this variant (Variation ID: 1023565). Experimental studies and prediction algorithms are not available or were not evaluated, and the functional significance of this variant is currently unknown. In summary, the available evidence is currently insufficient to determine the role of this variant in disease. Therefore, it has been classified as a Variant of Uncertain Significance.

NM_001161352.2(KCNMA1):c.34_39del (p.Ser12_Gly13del)

Gene: KCNMA1 (potassium calcium-activated channel subfamily M alpha 1; minus strand). Cytogenetic location: 10q22.3.
Variant type: Deletion.
Coding change: c.34_39del on transcript NM_001161352.2 (MANE Select); coding-DNA positions 34 to 39, 6 bases deleted (AGCGGC; older notation c.34_39delAGCGGC).
Protein change: p.Ser12_Gly13del.
Molecular consequence: inframe deletion.
Genome position (GRCh38, 1-based): chr10:77,637,604-77,637,609, GCCGCT deleted on the plus strand (AGCGGC on the coding strand, the reverse complement: KCNMA1 is on the minus strand); deleting any 6 consecutive bases within chr10:77,637,604-77,637,611 gives the same sequence; the c. name uses the placement nearest the transcript's 3' end. VCF-style (leftmost placement, unchanged base first): chr10-77637603-CGCCGCT-C. GRCh37 (hg19) VCF-style: chr10-79397361-CGCCGCT-C.
Other names: c.34_39del, p.Ser12_Gly13del (NM_002247.4, NM_001014797.3, NM_001161353.2 and 12 more transcripts).
Identifiers: ClinVar variation 1023565 (VCV001023565.9), dbSNP rs2093901062, ClinGen allele CA930199287.